The following is an entry in ClinVar:

NM_019594.4(LRRC8A):c.1064C>T (p.Ser355Leu)

Gene: LRRC8A (leucine rich repeat containing 8 VRAC subunit A; plus strand). Cytogenetic location: 9q34.11.
Variant type: single nucleotide variant.
Coding change: c.1064C>T on transcript NM_019594.4 (MANE Select); coding-DNA position 1064, C replaced by T.
Protein change: p.Ser355Leu; replaces serine 355 with leucine.
Molecular consequence: missense variant.
Genome position (GRCh38, 1-based): chr9:128,908,228, C>T. VCF-style: chr9-128908228-C-T. GRCh37 (hg19) VCF-style: chr9-131670507-C-T.
Other names: c.1064C>T, p.Ser355Leu (NM_001127244.2, NM_001127245.2); short protein forms S355L.
Identifiers: ClinVar variation 618710 (VCV000618710.16), dbSNP rs150868273, ClinGen allele CA5270830.
Genomic context (GRCh38, chr9:128,908,228, plus strand): 5'-TCTGCATGTATACACTGTGGTGGATGCTACGGCGCTCCCTCAAGAAGTACTCGTTTGAGT[C>T]GATCCGTGAGGAGAGCAGCTACAGCGACATCCCCGACGTCAAGAACGACTTCGCCTTCAT-3'
Protein context (NP_062540.2, residues 345-365): RRSLKKYSFE[Ser355Leu]IREESSYSDI

ClinVar aggregate classification (germline): Uncertain significance. Review status: criteria provided, multiple submitters, no conflicts (2 of 4 stars). 2 submissions from 2 submitters: Uncertain significance (2). Last evaluated 2025-12-02.

Allele frequency attached by ClinVar (database versions not stated): TOPMed 0.00002; gnomAD exomes 0.00003 and 0.00005; gnomAD 0.00004 and 0.00005; ExAC 0.00005; ESP Exome Variant Server 0.00015.
gnomAD v4.1: 57 of 1,614,080 alleles (0.0035%); highest among the groups gnomAD compares: Middle Eastern, 0.033%; no homozygotes.

Submissions (2):

Labcorp Genetics (formerly Invitae), Labcorp
Classification: Uncertain significance. Last evaluated: 2025-12-02. Review status: criteria provided, single submitter. Criteria: Invitae Variant Classification Sherloc (09022015). Collection method: clinical testing. Allele origin: germline.
Comment: This sequence change replaces serine, which is neutral and polar, with leucine, which is neutral and non-polar, at codon 355 of the LRRC8A protein (p.Ser355Leu). This variant is present in population databases (rs150868273, gnomAD 0.02%). This variant has not been reported in the literature in individuals affected with LRRC8A-related conditions. ClinVar contains an entry for this variant (Variation ID: 618710). An algorithm developed to predict the effect of missense changes on protein structure and function (PolyPhen-2) suggests that this variant is likely to be tolerated. In summary, the available evidence is currently insufficient to determine the role of this variant in disease. Therefore, it has been classified as a Variant of Uncertain Significance.

ARUP Laboratories, Molecular Genetics and Genomics, ARUP Laboratories
Classification: Uncertain significance. Last evaluated: 2017-06-26. Review status: criteria provided, single submitter. Criteria: ARUP Molecular Germline Variant Investigation Process. Collection method: clinical testing. Allele origin: germline.
Comment: The c.1064C>T variant (p.Ser355Leu) has not been reported in the medical literature, gene specific variation databases, nor has it been previously identified by our laboratory. This variant is listed in the NHLBI GO Exome Sequencing Project with an overall population frequency of 0.02 percent (identified on 2 out of 13,006 chromosomes) and is listed in the genome Aggregation Database (gnomAD) with an overall population frequency of 0.005 percent (identified on 14 out of 277,140 chromosomes). The serine at position 355 is highly conserved and computational analyses of the effects of the p.Ser355Leu variant on protein structure and function provide conflicting results (SIFT: tolerated, MutationTaster: disease causing, PolyPhen-2: benign). Altogether, there is not enough evidence to classify the p.Ser355Leu variant with certainty.